The following is an entry in ClinVar:

ClinVar aggregate classification (germline): Uncertain significance (1 of 4 stars; one submission).

gnomAD v4.1: 1 of 1,613,922 alleles (0.000062%); highest among the groups gnomAD compares: Admixed American, 0.0017%; no homozygotes.

Submission:

Labcorp Genetics (formerly Invitae), Labcorp
Classification: Uncertain significance. Last evaluated: 2025-12-21. Review status: criteria provided, single submitter. Criteria: Invitae Variant Classification Sherloc (09022015). Collection method: clinical testing. Allele origin: germline.
Comment: This sequence change replaces glycine, which is neutral and non-polar, with valine, which is neutral and non-polar, at codon 167 of the PNPLA1 protein (p.Gly167Val). This variant is not present in population databases (gnomAD no frequency). This missense change has been observed in individual(s) with ichthyosis (PMID: 34851365). An algorithm developed to predict the effect of missense changes on protein structure and function (PolyPhen-2) suggests that this variant is likely to be disruptive. In summary, the available evidence is currently insufficient to determine the role of this variant in disease. Therefore, it has been classified as a Variant of Uncertain Significance.

Literature cited by the submitters: PubMed 34851365.

NM_001374623.1(PNPLA1):c.500G>T (p.Gly167Val)

Gene: PNPLA1 (patatin like domain 1, omega-hydroxyceramide transacylase; plus strand). Cytogenetic location: 6p21.31.
Variant type: single nucleotide variant.
Coding change: c.500G>T on transcript NM_001374623.1 (MANE Select); coding-DNA position 500, G replaced by T.
Protein change: p.Gly167Val; replaces glycine 167 with valine.
Molecular consequence: missense variant.
Genome position (GRCh38, 1-based): chr6:36,293,122, G>T. VCF-style: chr6-36293122-G-T. GRCh37 (hg19) VCF-style: chr6-36260899-G-T.
Other names: c.215G>T, p.Gly72Val (NM_001145716.2, NM_173676.2); c.500G>T, p.Gly167Val (NM_001145717.1); short protein forms G167V, G72V.
Identifiers: ClinVar variation 4759910 (VCV004759910.1).